The following is an entry in ClinVar:

ClinVar aggregate classification (germline): Uncertain significance. Review status: criteria provided, multiple submitters, no conflicts (2 of 4 stars). 2 submissions from 2 submitters: Uncertain significance (2). Last evaluated 2026-01-08.

Conditions:
Hereditary cancer-predisposing syndrome. Also called: Tumor predisposition; Hereditary Cancer Syndrome; Hereditary neoplastic syndrome; Neoplastic Syndromes, Hereditary. Identifiers: Orphanet 140162, MedGen C0027672, MeSH D009386, MONDO:0015356.

Submissions (2):

Ambry Genetics
Classification: Uncertain significance for Hereditary cancer-predisposing syndrome. Last evaluated: 2026-01-08. Review status: criteria provided, single submitter. Criteria: Ambry Variant Classification Scheme 2023. Collection method: clinical testing. Allele origin: germline.
Comment: The p.P765S variant (also known as c.2293C>T), located in coding exon 16 of the MSH3 gene, results from a C to T substitution at nucleotide position 2293. The proline at codon 765 is replaced by serine, an amino acid with similar properties. This amino acid position is highly conserved in available vertebrate species. In addition, this alteration is predicted to be deleterious by in silico analysis. Based on the available evidence, the clinical significance of this variant remains unclear.

Labcorp Genetics (formerly Invitae), Labcorp
Classification: Uncertain significance. Last evaluated: 2023-06-10. Review status: criteria provided, single submitter. Criteria: Invitae Variant Classification Sherloc (09022015). Collection method: clinical testing. Allele origin: germline.
Comment: In summary, the available evidence is currently insufficient to determine the role of this variant in disease. Therefore, it has been classified as a Variant of Uncertain Significance. This sequence change replaces proline, which is neutral and non-polar, with serine, which is neutral and polar, at codon 765 of the MSH3 protein (p.Pro765Ser). This variant is not present in population databases (gnomAD no frequency). This variant has not been reported in the literature in individuals affected with MSH3-related conditions. An algorithm developed to predict the effect of missense changes on protein structure and function (PolyPhen-2) suggests that this variant is likely to be disruptive.

NM_002439.5(MSH3):c.2293C>T (p.Pro765Ser)

Gene: MSH3 (mutS homolog 3; plus strand). Cytogenetic location: 5q14.1.
Variant type: single nucleotide variant.
Coding change: c.2293C>T on transcript NM_002439.5 (MANE Select); coding-DNA position 2293, C replaced by T.
Protein change: p.Pro765Ser; replaces proline 765 with serine.
Molecular consequence: missense variant.
Genome position (GRCh38, 1-based): chr5:80,775,733, C>T. VCF-style: chr5-80775733-C-T. GRCh37 (hg19) VCF-style: chr5-80071552-C-T.
Other names: c.2293C>T (NM_002439.3); short protein forms P765S.
Identifiers: ClinVar variation 2708222 (VCV002708222.4), dbSNP rs2546777881, ClinGen allele CA360280870.
Genomic context (GRCh38, chr5:80,775,733, plus strand): 5'-GTTTATTTGTATTTGTTTTAGTTTATGATAGAAATAAAGAACTCTGCTGTATCTTGTATA[C>T]CAACTGATTGGGTAAAGGTTGGAAGGTAGGTTTAAAATAAATTTTTTTCTTACAATGCAT-3'
Protein context (NP_002430.3, residues 755-775): EIKNSAVSCI[Pro765Ser]TDWVKVGSTK